The following is an entry in ClinVar:

ClinVar aggregate classification (germline): Uncertain significance (1 of 4 stars; one submission).

Conditions:
Jeune thoracic dystrophy. Also called: Jeune syndrome; Infantile thoracic dystrophy; Thoracic pelvic phalangeal dystrophy; Jeune's syndrome; Chondroectodermal dysplasia-like syndrome; Short-rib thoracic dysplasia. Identifiers: Orphanet 474, MedGen C0265275, MONDO:0018770.
Nephronophthisis. Also called: Juvenile Nephronophthisis. Identifiers: Orphanet 655, MedGen C0687120, MONDO:0019005, HP:0000090.

Allele frequency attached by ClinVar (database versions not stated): gnomAD 0.00001.
gnomAD v4.1: 4 of 1,612,850 alleles (0.00025%); highest among the groups gnomAD compares: African/African-American, 0.004%; no homozygotes.

Submission:

Labcorp Genetics (formerly Invitae), Labcorp
Classification: Uncertain significance for Jeune thoracic dystrophy; Nephronophthisis. Last evaluated: 2022-08-19. Review status: criteria provided, single submitter. Criteria: Invitae Variant Classification Sherloc (09022015). Collection method: clinical testing. Allele origin: germline.
Comment: This sequence change replaces glycine, which is neutral and non-polar, with arginine, which is basic and polar, at codon 831 of the TTC21B protein (p.Gly831Arg). This variant is not present in population databases (gnomAD no frequency). This variant has not been reported in the literature in individuals affected with TTC21B-related conditions. Algorithms developed to predict the effect of missense changes on protein structure and function (SIFT, PolyPhen-2, Align-GVGD) all suggest that this variant is likely to be tolerated. In summary, the available evidence is currently insufficient to determine the role of this variant in disease. Therefore, it has been classified as a Variant of Uncertain Significance.

NM_024753.5(TTC21B):c.2491G>A (p.Gly831Arg)

Gene: TTC21B (tetratricopeptide repeat domain 21B; minus strand). Cytogenetic location: 2q24.3.
Variant type: single nucleotide variant.
Coding change: c.2491G>A on transcript NM_024753.5 (MANE Select); coding-DNA position 2491, G replaced by A.
Protein change: p.Gly831Arg; replaces glycine 831 with arginine.
Molecular consequence: missense variant.
Genome position (GRCh38, 1-based): chr2:165,907,755, C>T on the plus strand (G>A on the coding strand, the complement: TTC21B is on the minus strand). VCF-style: chr2-165907755-C-T. GRCh37 (hg19) VCF-style: chr2-166764265-C-T.
Other names: short protein forms G831R.
Identifiers: ClinVar variation 1978907 (VCV001978907.4), dbSNP rs999498695, ClinGen allele CA349055589.